The following is an entry in ClinVar:

ClinVar aggregate classification (germline): Uncertain significance. Review status: criteria provided, multiple submitters, no conflicts (2 of 4 stars). 2 submissions from 2 submitters: Uncertain significance (2). Last evaluated 2025-10-02.

Conditions:
Age related macular degeneration 4. Identifiers: MedGen C1853147, MONDO:0012540, OMIM 610698.

Allele frequency attached by ClinVar (database versions not stated): ExAC 0.00001; gnomAD 0.00001 and 0.00002; gnomAD exomes 0.00001; TOPMed 0.00001.
gnomAD v4.1: 20 of 1,613,330 alleles (0.0012%); highest among the groups gnomAD compares: Admixed American, 0.015%; no homozygotes.

Submissions (2):

Genomenon, Inc
Classification: Uncertain significance for Age related macular degeneration 4. Last evaluated: 2025-10-02. Review status: criteria provided, single submitter. Criteria: Genomenon Sequence Variant Interpretation Standards - Updated. Collection method: curation. Allele origin: germline. Affected: yes.
Comment: CFH p.Pro364Leu (c.1091C>T) is a missense variant that changes the amino acid at residue 364 from Proline to Leucine. This variant has been observed in at least one proband affected with age-related macular degeneration (PMID:26501415). It is absent or not present at a significant frequency in gnomAD. In silico models agree that this variant is not damaging. In conclusion, we classify CFH p.Pro364Leu (c.1091C>T) as a variant of uncertain significance.

Labcorp Genetics (formerly Invitae), Labcorp
Classification: Uncertain significance. Last evaluated: 2024-06-08. Review status: criteria provided, single submitter. Criteria: Invitae Variant Classification Sherloc (09022015). Collection method: clinical testing. Allele origin: germline.
Comment: This sequence change replaces proline, which is neutral and non-polar, with leucine, which is neutral and non-polar, at codon 364 of the CFH protein (p.Pro364Leu). This variant is present in population databases (rs765531414, gnomAD 0.009%). This missense change has been observed in individual(s) with age-related macular degeneration (PMID: 26501415). ClinVar contains an entry for this variant (Variation ID: 1501928). An algorithm developed to predict the effect of missense changes on protein structure and function (PolyPhen-2) suggests that this variant is likely to be disruptive. Algorithms developed to predict the effect of sequence changes on RNA splicing suggest that this variant may disrupt the consensus splice site. In summary, the available evidence is currently insufficient to determine the role of this variant in disease. Therefore, it has been classified as a Variant of Uncertain Significance.

Literature cited by the submitters: PubMed 26501415 (cited by Genomenon, Inc and Labcorp Genetics (formerly Invitae), Labcorp).

NM_000186.4(CFH):c.1091C>T (p.Pro364Leu)

Gene: CFH (complement factor H; plus strand). Cytogenetic location: 1q31.3.
Variant type: single nucleotide variant.
Coding change: c.1091C>T on transcript NM_000186.4 (MANE Select); coding-DNA position 1091, C replaced by T.
Protein change: p.Pro364Leu; replaces proline 364 with leucine.
Molecular consequence: missense variant.
Genome position (GRCh38, 1-based): chr1:196,689,546, C>T. VCF-style: chr1-196689546-C-T. GRCh37 (hg19) VCF-style: chr1-196658676-C-T.
Other names: c.1091C>T, p.Pro364Leu (NM_001014975.3); short protein forms P364L.
Identifiers: ClinVar variation 1501928 (VCV001501928.9), dbSNP rs765531414, ClinGen allele CA1305235.
Genomic context (GRCh38, chr1:196,689,546, plus strand): 5'-ACTTTCCAGTAGCTGTAGGAAAATATTACTCCTATTACTGTGATGAACATTTTGAGACTC[C>T]GTCAGGAAGTTACTGGGATCACATTCATTGCACACAAGATGGATGGTCGCCAGCAGTACC-3'
Protein context (NP_000177.2, residues 354-374): SYYCDEHFET[Pro364Leu]SGSYWDHIHC